The following is an entry in ClinVar:

ClinVar aggregate classification (germline): Uncertain significance (1 of 4 stars; one submission).

Conditions:
Inborn genetic diseases. Identifiers: MedGen C0950123, MeSH D030342.

gnomAD v4.1: 1 of 1,613,968 alleles (0.000062%); highest among the groups gnomAD compares: Non-Finnish European, 0.000085%; no homozygotes.

Submission:

Ambry Genetics
Classification: Uncertain significance for Inborn genetic diseases. Last evaluated: 2025-08-23. Review status: criteria provided, single submitter. Criteria: Ambry Variant Classification Scheme 2023. Collection method: clinical testing. Allele origin: germline.
Comment: The p.E57V variant (also known as c.170A>T), located in coding exon 2 of the USB1 gene, results from an A to T substitution at nucleotide position 170. The glutamic acid at codon 57 is replaced by valine, an amino acid with dissimilar properties. This amino acid position is conserved. In addition, this alteration is predicted to be tolerated by in silico analysis. Based on the available evidence, the clinical significance of this variant remains unclear.

NM_024598.4(USB1):c.170A>T (p.Glu57Val)

Gene: USB1 (U6 snRNA biogenesis phosphodiesterase 1; plus strand). Cytogenetic location: 16q21.
Variant type: single nucleotide variant.
Coding change: c.170A>T on transcript NM_024598.4 (MANE Select); coding-DNA position 170, A replaced by T.
Protein change: p.Glu57Val; replaces glutamic acid 57 with valine.
Molecular consequence: missense variant.
Genome position (GRCh38, 1-based): chr16:58,002,550, A>T. VCF-style: chr16-58002550-A-T. GRCh37 (hg19) VCF-style: chr16-58036454-A-T.
Other names: c.170A>T, p.Glu57Val (NM_001195302.2, NM_001204911.2, NM_001330569.2); c.17A>T, p.Glu6Val (NM_001330568.2); short protein forms E57V, E6V.
Identifiers: ClinVar variation 4196820 (VCV004196820.1).